The following is an entry in ClinVar:

NM_000312.4(PROC):c.659G>C (p.Arg220Pro)

Gene: PROC (protein C, inactivator of coagulation factors Va and VIIIa; plus strand). Cytogenetic location: 2q14.3.
Variant type: single nucleotide variant.
Coding change: c.659G>C on transcript NM_000312.4 (MANE Select); coding-DNA position 659, G replaced by C.
Protein change: p.Arg220Pro; replaces arginine 220 with proline.
Molecular consequence: missense variant.
Genome position (GRCh38, 1-based): chr2:127,426,208, G>C. VCF-style: chr2-127426208-G-C. GRCh37 (hg19) VCF-style: chr2-128183784-G-C.
Other names: c.842G>C, p.Arg281Pro (NM_001375602.1); c.824G>C, p.Arg275Pro (NM_001375603.1); c.722G>C, p.Arg241Pro (NM_001375604.1); c.761G>C, p.Arg254Pro (NM_001375605.1); c.827G>C, p.Arg276Pro (NM_001375606.1); c.845G>C, p.Arg282Pro (NM_001375607.1); c.602G>C, p.Arg201Pro (NM_001375608.1); c.635G>C, p.Arg212Pro (NM_001375609.1); and 2 more; short protein forms R201P, R212P, R218P, R220P, R241P, R254P, R275P, R276P.
Identifiers: ClinVar variation 1684349 (VCV001684349.6), dbSNP rs121918153, ClinGen allele CA348401661.

ClinVar aggregate classification (germline): Uncertain significance. Review status: criteria provided, single submitter (1 of 4 stars). 2 submissions from 2 submitters: Uncertain significance (1). 1 of the submissions does not count toward it. Last evaluated 2025-11-09.

Conditions:
Reduced protein C activity. Identifiers: MedGen C0398625, MeSH D020151, HP:0005543.
Thrombophilia due to protein C deficiency, autosomal dominant. Also called: PROC DEFICIENCY, AUTOSOMAL DOMINANT; PROTEIN C DEFICIENCY, AUTOSOMAL DOMINANT. Identifiers: Orphanet 745, MedGen C2674321, MONDO:0008316, OMIM 176860. Disease mechanism: loss of function.

Submissions (2):

Labcorp Genetics (formerly Invitae), Labcorp
Classification: Uncertain significance for Thrombophilia due to protein C deficiency, autosomal dominant. Last evaluated: 2025-11-09. Review status: criteria provided, single submitter. Criteria: Invitae Variant Classification Sherloc (09022015). Collection method: clinical testing. Allele origin: germline.
Comment: This sequence change replaces arginine, which is basic and polar, with proline, which is neutral and non-polar, at codon 220 of the PROC protein (p.Arg220Pro). This variant is not present in population databases (gnomAD no frequency). This missense change has been observed in individuals with protein C deficiency (PMID: 7605880; internal data). This variant is also known as Arg178Pro. ClinVar contains an entry for this variant (Variation ID: 1684349). Invitae Evidence Modeling of protein sequence and biophysical properties (such as structural, functional, and spatial information, amino acid conservation, physicochemical variation, residue mobility, and thermodynamic stability) indicates that this missense variant is not expected to disrupt PROC protein function with a negative predictive value of 80%. This variant disrupts the p.Arg220 amino acid residue in PROC. Other variant(s) that disrupt this residue have been determined to be pathogenic (PMID: 1301954, 1301959, 1511989, 7605880, 8499565, 18954896, 31254973). This suggests that this residue is clinically significant, and that variants that disrupt this residue are likely to be disease-causing. In summary, the available evidence is currently insufficient to determine the role of this variant in disease. Therefore, it has been classified as a Variant of Uncertain Significance.

ISTH-SSC Genomics in Thrombosis and Hemostasis, KU Leuven, Center for Molecular and Vascular Biology
Classification: Likely pathogenic for Reduced protein C activity. Review status: no assertion criteria provided. Collection method: research. Allele origin: unknown. Affected: yes. Not counted in ClinVar's aggregate classification.
Comment: Submitted to GoldVariant by Dr Karyn Mégy from NIHR Bioresource - Cambridge University, UK

Literature cited by the submitters: PubMed 7605880 (cited by Labcorp Genetics (formerly Invitae), Labcorp); PubMed 1301954 (cited by Labcorp Genetics (formerly Invitae), Labcorp); PubMed 1301959 (cited by Labcorp Genetics (formerly Invitae), Labcorp); PubMed 1511989 (cited by Labcorp Genetics (formerly Invitae), Labcorp); PubMed 8499565 (cited by Labcorp Genetics (formerly Invitae), Labcorp); PubMed 18954896 (cited by Labcorp Genetics (formerly Invitae), Labcorp); PubMed 31254973 (cited by Labcorp Genetics (formerly Invitae), Labcorp).